The following is an entry in ClinVar:

ClinVar aggregate classification (germline): Uncertain significance. Review status: criteria provided, single submitter (1 of 4 stars). 2 submissions from 2 submitters: Uncertain significance (1). 1 of the submissions does not count toward it. Last evaluated 2024-03-04.

gnomAD v4.1: 4 of 1,613,730 alleles (0.00025%); highest among the groups gnomAD compares: Admixed American, 0.0033%; no homozygotes.

Submissions (2):

Ambry Genetics
Classification: Uncertain significance. Last evaluated: 2024-03-04. Review status: criteria provided, single submitter. Criteria: Ambry Variant Classification Scheme 2023. Collection method: clinical testing. Allele origin: germline.

Department of Pathology and Laboratory Medicine, Sinai Health System
Classification: Uncertain significance. Review status: no assertion criteria provided. Collection method: clinical testing. Allele origin: unknown. Affected: yes. Study: The Canadian Open Genetics Repository (COGR). Not counted in ClinVar's aggregate classification.
Comment: The SPTA1 p.Arg1414Gly variant was not identified in the literature nor was it identified in ClinVar or LOVD 3.0. The variant was identified in dbSNP (ID: rs201399968) but was not found in the following control databases: the 1000 Genomes Project, the NHLBI GO Exome Sequencing Project, or the Genome Aggregation Database (March 6, 2019, v2.1.1). The p.Arg1414 residue is conserved across mammals and other organisms, and four out of five computational analyses (PolyPhen-2, SIFT, AlignGVGD, BLOSUM, MutationTaster) suggest that the variant may impact the protein; however, this information is not predictive enough to assume pathogenicity. The variant occurs outside of the splicing consensus sequence and 4 of 4 in silico or computational prediction software programs (SpliceSiteFinder, MaxEntScan, NNSPLICE, GeneSplicer) predict a greater than 10% difference in splicing and the creation of a new 5' splice site. However, this has not been confirmed by RNA analysis and is not predictive enough to assume pathogenicity. In summary, based on the above information the clinical significance of this variant cannot be determined with certainty at this time. This variant is classified as a variant of uncertain significance.

NM_003126.4(SPTA1):c.4240C>G (p.Arg1414Gly)

Gene: SPTA1 (spectrin alpha, erythrocytic 1; minus strand). Cytogenetic location: 1q23.1.
Variant type: single nucleotide variant.
Coding change: c.4240C>G on transcript NM_003126.4 (MANE Select); coding-DNA position 4240, C replaced by G.
Protein change: p.Arg1414Gly; replaces arginine 1414 with glycine.
Molecular consequence: missense variant.
Genome position (GRCh38, 1-based): chr1:158,644,351, G>C on the plus strand (C>G on the coding strand, the complement: SPTA1 is on the minus strand). VCF-style: chr1-158644351-G-C. GRCh37 (hg19) VCF-style: chr1-158614141-G-C.
Other names: c.4240C>G (NM_003126.2); short protein forms R1414G.
Identifiers: ClinVar variation 1049445 (VCV001049445.2), dbSNP rs201399968, ClinGen allele CA343031587.
Genomic context (GRCh38, chr1:158,644,351, plus strand): 5'-TCATCAAAGCCTCCAGACTGTCTAAGGAACTTTTGTCATCTGACCTCAGGGAATTCTCAC[G>C]TGCCACCATCCAGCTCTCAACTTGATCACAGTTCCCCTGGAACATCTATGAGGAATCAAA-3'
Protein context (NP_003117.2, residues 1404-1424): CDQVESWMVA[Arg1414Gly]ENSLRSDDKS